The following is an entry in ClinVar:

ClinVar aggregate classification (germline): Pathogenic. Review status: reviewed by expert panel (3 of 4 stars). 5 submissions from 5 submitters: Pathogenic (1). 4 of the submissions do not count toward it. Last evaluated 2016-10-18.

Conditions:
Gastric cancer. Also called: Stomach cancer; Malignant tumor of stomach. Identifiers: MedGen C0024623, MeSH D013274, MONDO:0001056, OMIM 613659, HP:0012126.
Hereditary breast ovarian cancer syndrome. Also called: Hereditary breast and ovarian cancer syndrome (HBOC); Hereditary breast and ovarian cancer syndrome; Hereditary breast and ovarian cancer; Hereditary breast and/or ovarian cancer syndrome; Breast and ovarian cancer; BRCA1- and BRCA2-Associated Hereditary Breast and Ovarian Cancer. Identifiers: Orphanet 145, MedGen C0677776, MeSH D061325, MONDO:0003582. Disease mechanism: loss of function.
Breast-ovarian cancer, familial, susceptibility to, 1 (BROVCA1). Also called: OVARIAN CANCER, SUSCEPTIBILITY TO; BRCA1 Hereditary Breast and Ovarian Cancer. Identifiers: Orphanet 145, MedGen C2676676, MONDO:0011450, OMIM 604370. Disease mechanism: loss of function.

Submissions (5):

Evidence-based Network for the Interpretation of Germline Mutant Alleles (ENIGMA)
Classification: Pathogenic for Breast-ovarian cancer, familial, susceptibility to, 1. Last evaluated: 2016-10-18. Review status: reviewed by expert panel. Criteria: ENIGMA BRCA1/2 Classification Criteria (2015). Collection method: curation. Allele origin: germline.
Comment: Variant allele predicted to encode a truncated non-functional protein.

Labcorp Genetics (formerly Invitae), Labcorp
Classification: Pathogenic for Hereditary breast ovarian cancer syndrome. Last evaluated: 2022-01-02. Review status: criteria provided, single submitter. Criteria: Invitae Variant Classification Sherloc (09022015). Collection method: clinical testing. Allele origin: germline. Not counted in ClinVar's aggregate classification.
Comment: For these reasons, this variant has been classified as Pathogenic. ClinVar contains an entry for this variant (Variation ID: 54773). This variant is also known as 3241C>G. This premature translational stop signal has been observed in individual(s) with breast cancer (PMID: 17851763, 17922413). This variant is not present in population databases (gnomAD no frequency). This sequence change creates a premature translational stop signal (p.Ser1041*) in the BRCA1 gene. It is expected to result in an absent or disrupted protein product. Loss-of-function variants in BRCA1 are known to be pathogenic (PMID: 20104584).

Illumina Laboratory Services, Illumina
Classification: Pathogenic for Breast-ovarian cancer, familial, susceptibility to, 1. Last evaluated: 2017-09-12. Review status: criteria provided, single submitter. Criteria: ICSL Variant Classification Criteria 09 May 2019. Collection method: clinical testing. Allele origin: germline. Not counted in ClinVar's aggregate classification.
Comment: The BRCA1 c.3122C>G (p.Ser1041Ter) variant is a stop-gained variant that has been reported in two studies and detected in four individuals with breast or ovarian cancer (Li et al. 2008; Kim et al. 2016). Li et al. (2008) report one individual with breast cancer and a family history of the disease and Kim et al. (2016) report three more individuals with breast or ovarian cancer. All the affected individuals are from mainland China. Control data are unavailable for the p.Ser1041Ter variant and frequency information is not available from the 1000 Genomes Project, the Exome Sequencing Project, the Exome Aggregation Consortium or the Genome Aggregation Database. The p.Ser1041Ter variant is predicted to truncate 44% of the BRCA1 protein, and Ser1041 is predicted to be a phosphorylation site (Savas et al. 2005). Based on the evidence and the potential impact of stop-gained variants, the p.Ser1041Ter is classified as pathogenic for hereditary breast and ovarian cancer. This variant was observed by ICSL as part of a predisposition screen in an ostensibly healthy population.

Consortium of Investigators of Modifiers of BRCA1/2 (CIMBA), c/o University of Cambridge
Classification: Pathogenic for Breast-ovarian cancer, familial, susceptibility to, 1. Last evaluated: 2015-10-02. Review status: criteria provided, single submitter. Criteria: CIMBA Mutation Classification guidelines May 2016. Collection method: clinical testing. Allele origin: germline. Not counted in ClinVar's aggregate classification.

Laboratory for Genotyping Development, RIKEN
Classification: Pathogenic for Gastric cancer. Last evaluated: 2021-07-01. Review status: no assertion criteria provided. Collection method: research. Allele origin: germline. Not counted in ClinVar's aggregate classification.

Literature cited by the submitters: PubMed 17851763 (cited by Labcorp Genetics (formerly Invitae), Labcorp and Illumina Laboratory Services, Illumina); PubMed 17922413 (cited by Labcorp Genetics (formerly Invitae), Labcorp); PubMed 20104584 (cited by Labcorp Genetics (formerly Invitae), Labcorp); PubMed 26848529 (cited by Illumina Laboratory Services, Illumina); PubMed 16111488 (cited by Illumina Laboratory Services, Illumina); PubMed 36988593 (cited by Laboratory for Genotyping Development, RIKEN).

NM_007294.4(BRCA1):c.3122C>G (p.Ser1041Ter)

Gene: BRCA1 (BRCA1 DNA repair associated; minus strand). Cytogenetic location: 17q21.31.
Variant type: single nucleotide variant.
Coding change: c.3122C>G on transcript NM_007294.4 (MANE Select); coding-DNA position 3122, C replaced by G.
Protein change: p.Ser1041Ter; replaces serine 1041 with a stop codon.
Molecular consequence: nonsense. On other transcripts: intron variant (137).
Genome position (GRCh38, 1-based): chr17:43,092,409, G>C on the plus strand (C>G on the coding strand, the complement: BRCA1 is on the minus strand). VCF-style: chr17-43092409-G-C. GRCh37 (hg19) VCF-style: chr17-41244426-G-C.
Other names: 3241C>G; c.2909C>G, p.Ser970Ter (NM_001407571.1, NM_001407853.1, NM_001407894.1 and 9 more transcripts); c.3122C>G, p.Ser1041Ter (NM_001407581.1, NM_001407582.1, NM_001407583.1 and 30 more transcripts); c.3119C>G, p.Ser1040Ter (NM_001407587.1, NM_001407590.1, NM_001407591.1 and 22 more transcripts); c.3113C>G, p.Ser1038Ter (NM_001407646.1, NM_001407647.1); c.2999C>G, p.Ser1000Ter (NM_001407648.1, NM_001407664.1, NM_001407665.1 and 19 more transcripts); c.2996C>G, p.Ser999Ter (NM_001407649.1, NM_001407670.1, NM_001407671.1 and 11 more transcripts); c.3044C>G, p.Ser1015Ter (NM_001407653.1, NM_001407654.1, NM_001407655.1 and 4 more transcripts); and 42 more; short protein forms S1041*, S994*, S1015*, S913*, S953*, S993*, S1038*, S745*.
Identifiers: ClinVar variation 54773 (VCV000054773.27), dbSNP rs397509035, ClinGen allele CA002040.